The following is an entry in ClinVar:

NM_000520.6(HEXA):c.764C>T (p.Ala255Val)

Gene: HEXA (hexosaminidase subunit alpha; minus strand). Cytogenetic location: 15q23.
Variant type: single nucleotide variant.
Coding change: c.764C>T on transcript NM_000520.6 (MANE Select); coding-DNA position 764, C replaced by T.
Protein change: p.Ala255Val; replaces alanine 255 with valine.
Molecular consequence: missense variant. On other transcripts: non-coding transcript variant (1).
Genome position (GRCh38, 1-based): chr15:72,350,559, G>A on the plus strand (C>T on the coding strand, the complement: HEXA is on the minus strand). VCF-style: chr15-72350559-G-A. GRCh37 (hg19) VCF-style: chr15-72642900-G-A.
Other names: c.764C>T (NM_000520.4); c.797C>T, p.Ala266Val (NM_001318825.2); short protein forms A255V, A266V.
Identifiers: ClinVar variation 1713655 (VCV001713655.4), dbSNP rs370576428, ClinGen allele CA393063070.

ClinVar aggregate classification (germline): Uncertain significance. Review status: criteria provided, multiple submitters, no conflicts (2 of 4 stars). 2 submissions from 2 submitters: Uncertain significance (2). Last evaluated 2025-05-07.

Conditions:
Inborn genetic diseases. Identifiers: MedGen C0950123, MeSH D030342.
Tay-Sachs disease (TSD). Also called: GM2 gangliosidosis, type 1; Hexosaminidase alpha-subunit deficiency (variant B); Sphingolipidosis, Tay-Sachs; Hexosaminidase A Deficiency; HEXA DEFICIENCY; HEXA Disorders. Identifiers: Orphanet 845, MedGen C0039373, MONDO:0010100, OMIM 272800.

gnomAD v4.1: 1 of 1,614,118 alleles (0.000062%); highest among the groups gnomAD compares: Non-Finnish European, 0.000085%; no homozygotes.

Submissions (2):

Ambry Genetics
Classification: Uncertain significance for Inborn genetic diseases. Last evaluated: 2025-05-07. Review status: criteria provided, single submitter. Criteria: Ambry Variant Classification Scheme 2023. Collection method: clinical testing. Allele origin: germline.

Labcorp Genetics (formerly Invitae), Labcorp
Classification: Uncertain significance for Tay-Sachs disease. Last evaluated: 2022-08-21. Review status: criteria provided, single submitter. Criteria: Invitae Variant Classification Sherloc (09022015). Collection method: clinical testing. Allele origin: germline.
Comment: This sequence change replaces alanine, which is neutral and non-polar, with valine, which is neutral and non-polar, at codon 255 of the HEXA protein (p.Ala255Val). This variant is not present in population databases (gnomAD no frequency). This variant has not been reported in the literature in individuals affected with HEXA-related conditions. Algorithms developed to predict the effect of missense changes on protein structure and function output the following: SIFT: "Tolerated"; PolyPhen-2: "Benign"; Align-GVGD: "Class C0". The valine amino acid residue is found in multiple mammalian species, which suggests that this missense change does not adversely affect protein function. In summary, the available evidence is currently insufficient to determine the role of this variant in disease. Therefore, it has been classified as a Variant of Uncertain Significance.